The following is an entry in ClinVar:

ClinVar aggregate classification (germline): Uncertain significance. Review status: criteria provided, single submitter (1 of 4 stars). 2 submissions from 2 submitters: Uncertain significance (1). 1 of the submissions does not count toward it. Last evaluated 2025-04-01.

Conditions:
SIM1-related disorder. Also called: SIM1-related disorders; SIM1-related condition.

Allele frequency attached by ClinVar (database versions not stated): gnomAD 0.00006 and 0.00007; TOPMed 0.00008; 1000 Genomes Project 0.00020; ESP Exome Variant Server 0.00015; 1000 Genomes Project 30x 0.00016.
gnomAD v4.1: 59 of 1,612,316 alleles (0.0037%); highest among the groups gnomAD compares: African/African-American, 0.016%; no homozygotes.

Submissions (2):

Labcorp Genetics (formerly Invitae), Labcorp
Classification: Uncertain significance. Last evaluated: 2025-04-01. Review status: criteria provided, single submitter. Criteria: Invitae Variant Classification Sherloc (09022015). Collection method: clinical testing. Allele origin: germline.
Comment: This sequence change replaces proline, which is neutral and non-polar, with serine, which is neutral and polar, at codon 72 of the SIM1 protein (p.Pro72Ser). This variant is present in population databases (rs138378556, gnomAD 0.02%). This missense change has been observed in individual(s) with clinical features of SIM1-related conditions (PMID: 33434169). ClinVar contains an entry for this variant (Variation ID: 1019756). An algorithm developed to predict the effect of missense changes on protein structure and function (PolyPhen-2) suggests that this variant is likely to be tolerated. In summary, the available evidence is currently insufficient to determine the role of this variant in disease. Therefore, it has been classified as a Variant of Uncertain Significance.

PreventionGenetics, part of Exact Sciences
Classification: Uncertain significance for SIM1-related condition. Last evaluated: 2024-06-05. Review status: no assertion criteria provided. Collection method: clinical testing. Allele origin: germline. Not counted in ClinVar's aggregate classification.
Comment: The SIM1 c.214C>T variant is predicted to result in the amino acid substitution p.Pro72Ser. This variant has been reported in a patient with obesity and hypopituitarism, however, its pathogenicity was not elucidated (Gonsalves et al. 2020. PubMed ID: 33434169). This variant is reported in 0.016% of alleles in individuals of African descent in gnomAD. At this time, the clinical significance of this variant is uncertain due to the absence of conclusive functional and genetic evidence.

Literature cited by the submitters: PubMed 33434169 (cited by Labcorp Genetics (formerly Invitae), Labcorp).

NM_005068.3(SIM1):c.214C>T (p.Pro72Ser)

Gene: SIM1 (SIM bHLH transcription factor 1; minus strand). Cytogenetic location: 6q16.3.
Variant type: single nucleotide variant.
Coding change: c.214C>T on transcript NM_005068.3 (MANE Select); coding-DNA position 214, C replaced by T.
Protein change: p.Pro72Ser; replaces proline 72 with serine.
Molecular consequence: missense variant.
Genome position (GRCh38, 1-based): chr6:100,453,806, G>A on the plus strand (C>T on the coding strand, the complement: SIM1 is on the minus strand). VCF-style: chr6-100453806-G-A. GRCh37 (hg19) VCF-style: chr6-100901682-G-A.
Other names: c.214C>T, p.Pro72Ser (NM_001374769.1); c.214C>T (NM_005068.2); short protein forms P72S.
Identifiers: ClinVar variation 1019756 (VCV001019756.11), dbSNP rs138378556, ClinGen allele CA3937381.